The following is an entry in ClinVar:

ClinVar aggregate classification (germline): Likely benign. Review status: criteria provided, multiple submitters, no conflicts (2 of 4 stars). 2 submissions from 2 submitters: Likely benign (2). Last evaluated 2024-12-06.

Conditions:
Bethlem myopathy 1A. Also called: MYOPATHY, BENIGN CONGENITAL, WITH CONTRACTURES; Bethlem myopathy 1; Bethlem Muscular Dystrophy. Identifiers: Orphanet 610, MedGen CN029274, MONDO:0024530, OMIM 158810.

Allele frequency attached by ClinVar (database versions not stated): gnomAD 0.00003 and 0.00004; gnomAD exomes 0.00004; ExAC 0.00005; TOPMed 0.00002.
gnomAD v4.1: 26 of 1,541,704 alleles (0.0017%); highest among the groups gnomAD compares: Admixed American, 0.0079%; no homozygotes.

Submissions (2):

Labcorp Genetics (formerly Invitae), Labcorp
Classification: Likely benign for Bethlem myopathy 1A. Last evaluated: 2024-12-06. Review status: criteria provided, single submitter. Criteria: Invitae Variant Classification Sherloc (09022015). Collection method: clinical testing. Allele origin: germline.

GeneDx
Classification: Likely benign. Last evaluated: 2017-04-28. Review status: criteria provided, single submitter. Criteria: GeneDx Variant Classification (06012015). Collection method: clinical testing. Allele origin: germline. Affected: yes.
Comment: This variant is considered likely benign or benign based on one or more of the following criteria: it is a conservative change, it occurs at a poorly conserved position in the protein, it is predicted to be benign by multiple in silico algorithms, and/or has population frequency not consistent with disease.

NM_001848.3(COL6A1):c.588+9C>T

Gene: COL6A1 (collagen type VI alpha 1 chain; plus strand). Cytogenetic location: 21q22.3.
Variant type: single nucleotide variant.
Coding change: c.588+9C>T on transcript NM_001848.3 (MANE Select); 9 bases into the intron after coding-DNA position 588, C replaced by T.
Molecular consequence: intron variant.
Genome position (GRCh38, 1-based): chr21:45,986,694, C>T. VCF-style: chr21-45986694-C-T. GRCh37 (hg19) VCF-style: chr21-47406608-C-T.
Identifiers: ClinVar variation 509147 (VCV000509147.10), dbSNP rs776935888, ClinGen allele CA10069608.